The following is an entry in ClinVar:

ClinVar aggregate classification (germline): Likely benign. Review status: reviewed by expert panel (3 of 4 stars). 2 submissions from 2 submitters: Likely benign (1). 1 of the submissions does not count toward it. Last evaluated 2022-06-30.

Conditions:
Hereditary thrombocytopenia and hematologic cancer predisposition syndrome. Identifiers: Orphanet 71290, MedGen CN281654, MONDO:0011071.
Hereditary thrombocytopenia and hematological cancer predisposition syndrome associated with RUNX1. Also called: PLATELET DISORDER, ASPIRIN-LIKE; RUNX1 Familial Platelet Disorder with Associated Myeloid Malignancies; Familial Platelet Disorder with Propensity to Acute Myelogenous Leukemia; Familial thrombocytopenia with propensity to acute myelogenous leukemia. Identifiers: Orphanet 71290, MedGen C1832388, MeSH C563324, MONDO:0100083, OMIM 601399.

gnomAD v4.1: 1 of 1,576,894 alleles (0.000063%); highest among the groups gnomAD compares: South Asian, 0.0012%; no homozygotes.

Submissions (2):

ClinGen Myeloid Malignancy Variant Curation Expert Panel
Classification: Likely benign for Hereditary thrombocytopenia and hematologic cancer predisposition syndrome. Last evaluated: 2022-06-30. Review status: reviewed by expert panel. Criteria: ClinGen MyeloMalig ACMG Specifications v2. Collection method: curation. Allele origin: germline. Inheritance: Autosomal dominant inheritance.
Comment: The c.968-9G>A intronic variant is not predicted by SpliceAI to impact splicing (BP4). In addition, an evolutionary conservation algorithm predicts the site as being non-conserved (PhyloP score = -4.74743 in GRCh38), and the variant is the reference nucleotide in one primate and/or three mammal species. Although the variant is absent from gnomAD v2 and v3 (PM2_Supporting), it has not been reported in cases or the literature. In summary, this variant meets the criteria to be classified as likely benign for hereditary thrombocytopenia and hematologic cancer predisposition syndrome based on the ACMG/AMP criteria applied, as specified by the ClinGen Myeloid Malignancy VCEP: BP4, BP7, and PM2_Supporting.

Labcorp Genetics (formerly Invitae), Labcorp
Classification: Likely benign for Hereditary thrombocytopenia and hematological cancer predisposition syndrome associated with RUNX1. Last evaluated: 2025-02-26. Review status: criteria provided, single submitter. Criteria: Invitae Variant Classification Sherloc (09022015). Collection method: clinical testing. Allele origin: germline. Not counted in ClinVar's aggregate classification.

NM_001754.5(RUNX1):c.968-9G>A

Gene: RUNX1 (RUNX family transcription factor 1; minus strand). Cytogenetic location: 21q22.12.
Variant type: single nucleotide variant.
Coding change: c.968-9G>A on transcript NM_001754.5 (MANE Select); 9 bases into the intron before coding-DNA position 968, G replaced by A.
Molecular consequence: intron variant.
Genome position (GRCh38, 1-based): chr21:34,792,619, C>T on the plus strand (G>A on the coding strand, the complement: RUNX1 is on the minus strand). VCF-style: chr21-34792619-C-T. GRCh37 (hg19) VCF-style: chr21-36164916-C-T.
Other names: c.887-9G>A (NM_001001890.3).
Identifiers: ClinVar variation 1099061 (VCV001099061.10), dbSNP rs1374004810, ClinGen allele CA2499225872.